The following is an entry in ClinVar:

NM_001111.5(ADAR):c.2954A>G (p.Glu985Gly)

Gene: ADAR (adenosine deaminase RNA specific; minus strand). Cytogenetic location: 1q21.3.
Variant type: single nucleotide variant.
Coding change: c.2954A>G on transcript NM_001111.5 (MANE Select); coding-DNA position 2954, A replaced by G.
Protein change: p.Glu985Gly; replaces glutamic acid 985 with glycine.
Molecular consequence: missense variant.
Genome position (GRCh38, 1-based): chr1:154,588,190, T>C on the plus strand (A>G on the coding strand, the complement: ADAR is on the minus strand). VCF-style: chr1-154588190-T-C. GRCh37 (hg19) VCF-style: chr1-154560666-T-C.
Other names: c.2069A>G, p.Glu690Gly (NM_001025107.3, NM_001193495.2, NM_001365046.1 and 2 more transcripts); c.2981A>G, p.Glu994Gly (NM_001365045.1); c.1991A>G, p.Glu664Gly (NM_001365049.1); c.2876A>G, p.Glu959Gly (NM_015840.4); c.2819A>G, p.Glu940Gly (NM_015841.4); c.2954A>G (NM_001111.4); short protein forms E985G, E690G, E959G, E664G, E940G, E994G.
Identifiers: ClinVar variation 1922883 (VCV001922883.6), dbSNP rs1025148420, ClinGen allele CA30851420.

ClinVar aggregate classification (germline): Uncertain significance. Review status: criteria provided, multiple submitters, no conflicts (2 of 4 stars). 2 submissions from 2 submitters: Uncertain significance (2). Last evaluated 2025-08-30.

Conditions:
Inborn genetic diseases. Identifiers: MedGen C0950123, MeSH D030342.
Symmetrical dyschromatosis of extremities (DSH). Also called: DYSCHROMATOSIS SYMMETRICA HEREDITARIA 1; Dyschromatosis symmetrica hereditaria; RETICULATE ACROPIGMENTATION OF DOHI; SYMMETRIC DYSCHROMATOSIS OF THE EXTREMITIES. Identifiers: Orphanet 41, MedGen C0406775, MONDO:0007483, OMIM 127400.
Aicardi-Goutieres syndrome 6 (AGS6). Identifiers: Orphanet 51, MedGen C3539013, MONDO:0014007, OMIM 615010.

Allele frequency attached by ClinVar (database versions not stated): TOPMed below 0.00001; gnomAD 0.00001.
gnomAD v4.1: 1 of 1,613,884 alleles (0.000062%); highest among the groups gnomAD compares: African/African-American, 0.0013%; no homozygotes.

Submissions (2):

Ambry Genetics
Classification: Uncertain significance for Inborn genetic diseases. Last evaluated: 2025-08-30. Review status: criteria provided, single submitter. Criteria: Ambry Variant Classification Scheme 2023. Collection method: clinical testing. Allele origin: germline.

Labcorp Genetics (formerly Invitae), Labcorp
Classification: Uncertain significance for Aicardi-Goutieres syndrome 6; Symmetrical dyschromatosis of extremities. Last evaluated: 2022-12-15. Review status: criteria provided, single submitter. Criteria: Invitae Variant Classification Sherloc (09022015). Collection method: clinical testing. Allele origin: germline.
Comment: This variant has not been reported in the literature in individuals affected with ADAR-related conditions. This variant is not present in population databases (gnomAD no frequency). This sequence change replaces glutamic acid, which is acidic and polar, with glycine, which is neutral and non-polar, at codon 985 of the ADAR protein (p.Glu985Gly). Advanced modeling of protein sequence and biophysical properties (such as structural, functional, and spatial information, amino acid conservation, physicochemical variation, residue mobility, and thermodynamic stability) performed at Invitae indicates that this missense variant is not expected to disrupt ADAR protein function. In summary, the available evidence is currently insufficient to determine the role of this variant in disease. Therefore, it has been classified as a Variant of Uncertain Significance.